The following is an entry in ClinVar:

NM_139125.4(MASP1):c.269T>C (p.Phe90Ser)

Gene: MASP1 (MBL associated serine protease 1; minus strand). Cytogenetic location: 3q27.3.
Variant type: single nucleotide variant.
Coding change: c.269T>C on transcript NM_139125.4 (MANE Select); coding-DNA position 269, T replaced by C.
Protein change: p.Phe90Ser; replaces phenylalanine 90 with serine.
Molecular consequence: missense variant. On other transcripts: non-coding transcript variant (1).
Genome position (GRCh38, 1-based): chr3:187,262,689, A>G on the plus strand (T>C on the coding strand, the complement: MASP1 is on the minus strand). VCF-style: chr3-187262689-A-G. GRCh37 (hg19) VCF-style: chr3-186980477-A-G.
Other names: c.269T>C, p.Phe90Ser (NM_001031849.3, NM_001879.6); short protein forms F90S.
Identifiers: ClinVar variation 3369092 (VCV003369092.2).

ClinVar aggregate classification (germline): Uncertain significance. Review status: criteria provided, multiple submitters, no conflicts (2 of 4 stars). 2 submissions from 2 submitters: Uncertain significance (2). Last evaluated 2025-08-13.

Conditions:
Inborn genetic diseases. Identifiers: MedGen C0950123, MeSH D030342.

gnomAD v4.1: 25 of 1,614,020 alleles (0.0015%); highest among the groups gnomAD compares: Non-Finnish European, 0.002%; no homozygotes.

Submissions (2):

Ambry Genetics
Classification: Uncertain significance for Inborn genetic diseases. Last evaluated: 2025-08-13. Review status: criteria provided, single submitter. Criteria: Ambry Variant Classification Scheme 2023. Collection method: clinical testing. Allele origin: germline.

GeneDx
Classification: Uncertain significance. Last evaluated: 2024-02-14. Review status: criteria provided, single submitter. Criteria: GeneDx Variant Classification Process June 2021. Collection method: clinical testing. Allele origin: germline. Affected: yes.
Comment: Not observed at significant frequency in large population cohorts (gnomAD); In silico analysis supports that this missense variant has a deleterious effect on protein structure/function; Has not been previously published as pathogenic or benign to our knowledge